The following is an entry in ClinVar:

NM_022132.5(MCCC2):c.207dup (p.Lys70fs)

Gene: MCCC2 (methylcrotonyl-CoA carboxylase subunit 2; plus strand). Cytogenetic location: 5q13.2.
Variant type: Duplication.
Coding change: c.207dup on transcript NM_022132.5 (MANE Select); coding-DNA position 207, one base duplicated (G; older notation c.207dupG).
Protein change: p.Lys70fs; shifts the reading frame from lysine 70.
Molecular consequence: frameshift variant.
Genome position (GRCh38, 1-based): chr5:71,596,290, G duplicated. VCF-style (leftmost placement, unchanged base first): chr5-71596289-A-AG. GRCh37 (hg19) VCF-style: chr5-70892116-A-AG.
Other names: c.207dup, p.Lys70fs (NM_001363147.1); short protein forms K70fs.
Identifiers: ClinVar variation 5015203 (VCV005015203.1).

ClinVar aggregate classification (germline): Pathogenic (1 of 4 stars; one submission).

Conditions:
3-methylcrotonyl-CoA carboxylase 2 deficiency. Also called: METHYLCROTONYLGLYCINURIA, TYPE II; 3 alpha methylcrotonyl-CoA carboxylase 2 deficiency; 3 alpha methylcrotonylglycinuria 2; MCC 2 deficiency; Methylcrotonylglycinuria type 2. Identifiers: Orphanet 6, MedGen C1859499, MONDO:0008862, OMIM 210210.

Submission:

Myriad Genetics, Inc.
Classification: Pathogenic for 3-methylcrotonyl-CoA carboxylase 2 deficiency. Last evaluated: 2025-11-12. Review status: criteria provided, single submitter. Criteria: Myriad Autosomal Dominant, Autosomal Recessive and X-Linked Classification Criteria (2023). Collection method: clinical testing. Allele origin: unknown.
Comment: NM_022132.4(MCCC2):c.207dupG(K70Efs*19) is expected to be pathogenic in the context of 3-methylcrotonyl-CoA carboxylase deficiency, MCCC2-related. This variant is predicted to lead to an abnormal or absent protein product due to the creation of a premature termination codon in MCCC2, a gene where loss-of-function variants are known to be pathogenic. Please note: this variant was assessed in the context of healthy population screening.